The following is an entry in ClinVar:

NM_018685.5(ANLN):c.2375G>A (p.Ser792Asn)

Gene: ANLN (anillin, actin binding protein; plus strand). Cytogenetic location: 7p14.2.
Variant type: single nucleotide variant.
Coding change: c.2375G>A on transcript NM_018685.5 (MANE Select); coding-DNA position 2375, G replaced by A.
Protein change: p.Ser792Asn; replaces serine 792 with asparagine.
Molecular consequence: missense variant.
Genome position (GRCh38, 1-based): chr7:36,422,708, G>A. VCF-style: chr7-36422708-G-A. GRCh37 (hg19) VCF-style: chr7-36462317-G-A.
Other names: c.2375G>A (NM_018685.2, NM_018685.4); c.2264G>A, p.Ser755Asn (NM_001284301.3); c.2261G>A, p.Ser754Asn (NM_001284302.3); short protein forms S792N, S754N, S755N.
Identifiers: ClinVar variation 1432007 (VCV001432007.11), dbSNP rs561388525, ClinGen allele CA4219851.
Genomic context (GRCh38, chr7:36,422,708, plus strand): 5'-TTTTGATTGATGAATTGAATAAATTGAAGAACGAAGGACCTCAGAGGAAGAATAAGGCTA[G>A]TCCCCAAAGTGAATTTATGCCATCCAAAGGATCAGTTACTTTGTCAGAAATCCGCTTGCC-3'
Protein context (NP_061155.2, residues 782-802): NEGPQRKNKA[Ser792Asn]PQSEFMPSKG

ClinVar aggregate classification (germline): Uncertain significance. Review status: criteria provided, multiple submitters, no conflicts (2 of 4 stars). 3 submissions from 3 submitters: Uncertain significance (3). Last evaluated 2026-03-17.

Conditions:
ANLN-related disorder. Also called: ANLN-related condition.

Allele frequency attached by ClinVar (database versions not stated): gnomAD exomes 0.00002 and below 0.00001; 1000 Genomes Project 30x 0.00016; 1000 Genomes Project 0.00020; gnomAD 0.00001; TOPMed 0.00001; ExAC 0.00002.
gnomAD v4.1: 6 of 1,612,992 alleles (0.00037%); highest among the groups gnomAD compares: East Asian, 0.0089%; no homozygotes.

Submissions (3):

PreventionGenetics, part of Exact Sciences
Classification: Uncertain significance for ANLN-related condition. Last evaluated: 2026-03-17. Review status: criteria provided, single submitter. Criteria: ACMG Guidelines, 2015. Collection method: clinical testing. Allele origin: germline.
Comment: The ANLN c.2375G>A variant is predicted to result in the amino acid substitution p.Ser792Asn. To our knowledge, this variant has not been reported in the literature. This variant is reported in 0.027% of alleles in individuals of East Asian descent in gnomAD. Although we suspect that this variant may be benign, at this time, the clinical significance of this variant is uncertain due to the absence of conclusive functional and genetic evidence.

Ambry Genetics
Classification: Uncertain significance. Last evaluated: 2025-06-18. Review status: criteria provided, single submitter. Criteria: Ambry Variant Classification Scheme 2023. Collection method: clinical testing. Allele origin: germline.

Labcorp Genetics (formerly Invitae), Labcorp
Classification: Uncertain significance. Last evaluated: 2022-01-17. Review status: criteria provided, single submitter. Criteria: Invitae Variant Classification Sherloc (09022015). Collection method: clinical testing. Allele origin: germline.
Comment: This sequence change replaces serine, which is neutral and polar, with asparagine, which is neutral and polar, at codon 792 of the ANLN protein (p.Ser792Asn). This variant is present in population databases (rs561388525, gnomAD 0.03%). This variant has not been reported in the literature in individuals affected with ANLN-related conditions. Algorithms developed to predict the effect of missense changes on protein structure and function are either unavailable or do not agree on the potential impact of this missense change (SIFT: "Deleterious"; PolyPhen-2: "Benign"; Align-GVGD: "Class C0"). In summary, the available evidence is currently insufficient to determine the role of this variant in disease. Therefore, it has been classified as a Variant of Uncertain Significance.